The following is an entry in ClinVar:

ClinVar aggregate classification (germline): Pathogenic (1 of 4 stars; one submission).

Conditions:
Combined immunodeficiency due to ZAP70 deficiency (IMD48). Also called: Immunodeficiency 48; ZAP70 Deficiency. Identifiers: Orphanet 911, MedGen C2931299, MONDO:0010023, OMIM 269840.

Submission:

Labcorp Genetics (formerly Invitae), Labcorp
Classification: Pathogenic for Combined immunodeficiency due to ZAP70 deficiency. Last evaluated: 2024-03-18. Review status: criteria provided, single submitter. Criteria: Invitae Variant Classification Sherloc (09022015). Collection method: clinical testing. Allele origin: germline.
Comment: This sequence change creates a premature translational stop signal (p.Trp131*) in the ZAP70 gene. It is expected to result in an absent or disrupted protein product. Loss-of-function variants in ZAP70 are known to be pathogenic (PMID: 8202712). This variant is not present in population databases (gnomAD no frequency). This variant has not been reported in the literature in individuals affected with ZAP70-related conditions. For these reasons, this variant has been classified as Pathogenic.

Literature cited by the submitters: PubMed 8202712.

NM_001079.4(ZAP70):c.392G>A (p.Trp131Ter)

Gene: ZAP70 (zeta chain of T cell receptor associated protein kinase 70; plus strand). Cytogenetic location: 2q11.2.
Variant type: single nucleotide variant.
Coding change: c.392G>A on transcript NM_001079.4 (MANE Select); coding-DNA position 392, G replaced by A.
Protein change: p.Trp131Ter; replaces tryptophan 131 with a stop codon.
Molecular consequence: nonsense.
Genome position (GRCh38, 1-based): chr2:97,724,428, G>A. VCF-style: chr2-97724428-G-A. GRCh37 (hg19) VCF-style: chr2-98340891-G-A.
Other names: c.392G>A, p.Trp131Ter (NM_001378594.1); short protein forms W131*.
Identifiers: ClinVar variation 3622427 (VCV003622427.2).